The following is an entry in ClinVar:

ClinVar aggregate classification (germline): Uncertain significance. Review status: criteria provided, multiple submitters, no conflicts (2 of 4 stars). 2 submissions from 2 submitters: Uncertain significance (2). Last evaluated 2025-03-17.

Allele frequency attached by ClinVar (database versions not stated): gnomAD exomes 0.00002; ExAC 0.00003; TOPMed 0.00003; 1000 Genomes Project 30x 0.00031; 1000 Genomes Project 0.00040.

Submissions (2):

Labcorp Genetics (formerly Invitae), Labcorp
Classification: Uncertain significance. Last evaluated: 2025-03-17. Review status: criteria provided, single submitter. Criteria: Invitae Variant Classification Sherloc (09022015). Collection method: clinical testing. Allele origin: germline.
Comment: This sequence change replaces alanine, which is neutral and non-polar, with valine, which is neutral and non-polar, at codon 201 of the GRM6 protein (p.Ala201Val). This variant is present in population databases (rs200306155, gnomAD 0.01%). This variant has not been reported in the literature in individuals affected with GRM6-related conditions. ClinVar contains an entry for this variant (Variation ID: 1345419). Invitae Evidence Modeling of protein sequence and biophysical properties (such as structural, functional, and spatial information, amino acid conservation, physicochemical variation, residue mobility, and thermodynamic stability) indicates that this missense variant is not expected to disrupt GRM6 protein function with a negative predictive value of 95%. In summary, the available evidence is currently insufficient to determine the role of this variant in disease. Therefore, it has been classified as a Variant of Uncertain Significance.

Blueprint Genetics
Classification: Uncertain significance. Last evaluated: 2022-01-20. Review status: criteria provided, single submitter. Criteria: ACMG Guidelines, 2015. Collection method: clinical testing. Allele origin: germline.

NM_000843.4(GRM6):c.602C>T (p.Ala201Val)

Gene: GRM6 (glutamate metabotropic receptor 6; minus strand). Cytogenetic location: 5q35.3.
Variant type: single nucleotide variant.
Coding change: c.602C>T on transcript NM_000843.4 (MANE Select); coding-DNA position 602, C replaced by T.
Protein change: p.Ala201Val; replaces alanine 201 with valine.
Molecular consequence: missense variant.
Genome position (GRCh38, 1-based): chr5:178,991,986, G>A on the plus strand (C>T on the coding strand, the complement: GRM6 is on the minus strand). VCF-style: chr5-178991986-G-A. GRCh37 (hg19) VCF-style: chr5-178418987-G-A.
Other names: short protein forms A201V.
Identifiers: ClinVar variation 1345419 (VCV001345419.9), dbSNP rs200306155, ClinGen allele CA3594479.
Genomic context (GRCh38, chr5:178,991,986, plus strand): 5'-GAGGCCAGCGTGGACACATAGTTCCATCCCAGTGCCCTCACGATGTCCACCATGGCCTGC[G>A]CCTGGTAGGAGTCGGGTGGCACCACCCGGGAGAAGAAGTCATAGCGTGTGGAGTCGCTGA-3'
Protein context (NP_000834.2, residues 191-211): SRVVPPDSYQ[Ala201Val]QAMVDIVRAL